The following is an entry in ClinVar:

NM_001080449.3(DNA2):c.404G>C (p.Arg135Pro)

Gene: DNA2 (DNA replication helicase/nuclease 2; minus strand). Cytogenetic location: 10q21.3.
Variant type: single nucleotide variant.
Coding change: c.404G>C on transcript NM_001080449.3 (MANE Select); coding-DNA position 404, G replaced by C.
Protein change: p.Arg135Pro; replaces arginine 135 with proline.
Molecular consequence: missense variant. On other transcripts: non-coding transcript variant (1).
Genome position (GRCh38, 1-based): chr10:68,468,160, C>G on the plus strand (G>C on the coding strand, the complement: DNA2 is on the minus strand). VCF-style: chr10-68468160-C-G. GRCh37 (hg19) VCF-style: chr10-70227917-C-G.
Other names: short protein forms R135P.
Identifiers: ClinVar variation 2092606 (VCV002092606.4), dbSNP rs764300882, ClinGen allele CA5525310.

ClinVar aggregate classification (germline): Uncertain significance (1 of 4 stars; one submission).

gnomAD v4.1: 6 of 1,606,450 alleles (0.00037%); highest among the groups gnomAD compares: South Asian, 0.0068%; no homozygotes.

Submission:

Labcorp Genetics (formerly Invitae), Labcorp
Classification: Uncertain significance. Last evaluated: 2024-11-04. Review status: criteria provided, single submitter. Criteria: Invitae Variant Classification Sherloc (09022015). Collection method: clinical testing. Allele origin: germline.
Comment: This sequence change replaces arginine, which is basic and polar, with proline, which is neutral and non-polar, at codon 135 of the DNA2 protein (p.Arg135Pro). This variant is present in population databases (rs764300882, gnomAD 0.01%). This variant has not been reported in the literature in individuals affected with DNA2-related conditions. ClinVar contains an entry for this variant (Variation ID: 2092606). Invitae Evidence Modeling of protein sequence and biophysical properties (such as structural, functional, and spatial information, amino acid conservation, physicochemical variation, residue mobility, and thermodynamic stability) indicates that this missense variant is expected to disrupt DNA2 protein function with a positive predictive value of 80%. In summary, the available evidence is currently insufficient to determine the role of this variant in disease. Therefore, it has been classified as a Variant of Uncertain Significance.